The following is an entry in ClinVar:

NM_001184.4(ATR):c.7550_7553dup (p.Asn2518delinsLysTer)

Gene: ATR (ATR checkpoint kinase; minus strand). Cytogenetic location: 3q23.
Variant type: Duplication.
Coding change: c.7550_7553dup on transcript NM_001184.4 (MANE Select); coding-DNA positions 7550 to 7553, 4 bases duplicated (ATAA; older notation c.7550_7553dupATAA).
Protein change: p.Asn2518delinsLysTer.
Molecular consequence: nonsense.
Genome position (GRCh38, 1-based): chr3:142,457,706-142,457,709, TTAT duplicated on the plus strand (ATAA on the coding strand, the reverse complement: ATR is on the minus strand). VCF-style (leftmost placement, unchanged base first): chr3-142457705-A-ATTAT. GRCh37 (hg19) VCF-style: chr3-142176547-A-ATTAT.
Other names: c.7358_7361dup, p.Asn2454delinsLysTer (NM_001354579.2).
Identifiers: ClinVar variation 1458489 (VCV001458489.6), dbSNP rs2108257635, ClinGen allele CA2573136568.

ClinVar aggregate classification (germline): Pathogenic (1 of 4 stars; one submission).

Submission:

Labcorp Genetics (formerly Invitae), Labcorp
Classification: Pathogenic. Last evaluated: 2021-02-04. Review status: criteria provided, single submitter. Criteria: Invitae Variant Classification Sherloc (09022015). Collection method: clinical testing. Allele origin: germline.
Comment: This sequence change creates a premature translational stop signal (p.Asn2518Lysfs*2) in the ATR gene. It is expected to result in an absent or disrupted protein product. Loss-of-function variants in ATR are known to be pathogenic (PMID: 21228398, 23144622). This variant is not present in population databases (ExAC no frequency). This variant has not been reported in the literature in individuals with ATR-related conditions. For these reasons, this variant has been classified as Pathogenic.

Literature cited by the submitters: PubMed 21228398; PubMed 23144622.